The following is an entry in ClinVar:

NM_002805.6(PSMC5):c.101T>C (p.Ile34Thr)

Gene: PSMC5 (proteasome 26S subunit, ATPase 5; plus strand). Cytogenetic location: 17q23.3.
Variant type: single nucleotide variant.
Coding change: c.101T>C on transcript NM_002805.6 (MANE Select); coding-DNA position 101, T replaced by C.
Protein change: p.Ile34Thr; replaces isoleucine 34 with threonine.
Molecular consequence: missense variant.
Genome position (GRCh38, 1-based): chr17:63,829,498, T>C. VCF-style: chr17-63829498-T-C. GRCh37 (hg19) VCF-style: chr17-61906858-T-C.
Other names: c.77T>C, p.Ile26Thr (NM_001199163.2); short protein forms I26T, I34T.
Identifiers: ClinVar variation 4540163 (VCV004540163.1).

ClinVar aggregate classification (germline): Uncertain significance (1 of 4 stars; one submission).

Submission:

GeneDx
Classification: Uncertain significance. Last evaluated: 2025-06-24. Review status: criteria provided, single submitter. Criteria: GeneDx Variant Classification Process June 2021. Collection method: clinical testing. Allele origin: germline. Affected: yes.
Comment: Not observed at significant frequency in large population cohorts (gnomAD); In silico analysis suggests that this missense variant does not alter protein structure/function; Has not been previously published as pathogenic or benign to our knowledge